The following is an entry in ClinVar:

NM_031885.5(BBS2):c.850A>C (p.Asn284His)

Gene: BBS2 (Bardet-Biedl syndrome 2; minus strand). Cytogenetic location: 16q13.
Variant type: single nucleotide variant.
Coding change: c.850A>C on transcript NM_031885.5 (MANE Select); coding-DNA position 850, A replaced by C.
Protein change: p.Asn284His; replaces asparagine 284 with histidine.
Molecular consequence: missense variant. On other transcripts: non-coding transcript variant (5).
Genome position (GRCh38, 1-based): chr16:56,502,763, T>G on the plus strand (A>C on the coding strand, the complement: BBS2 is on the minus strand). VCF-style: chr16-56502763-T-G. GRCh37 (hg19) VCF-style: chr16-56536675-T-G.
Other names: c.850A>C, p.Asn284His (NM_001377456.1); short protein forms N284H.
Identifiers: ClinVar variation 3346675 (VCV003346675.1).
Genomic context (GRCh38, chr16:56,502,763, plus strand): 5'-GTATGTGGCCATCCATCCGGTAATCTCCCTCTACCACACCGGCAATTGCAGAAGAAAAAT[T>G]GTCCTTAAAGATGACCTCCCCAGTTCGGTCACTTCGAGCATCAACCTACAAATAAAACAC-3'
Protein context (NP_114091.4, residues 274-294): DRTGEVIFKD[Asn284His]FSSAIAGVVE

ClinVar aggregate classification (germline): Uncertain significance (0 of 4 stars; one submission).

Conditions:
BBS2-related disorder. Also called: BBS2-related disorders; BBS2-related condition. Identifiers: MedGen CN239228.

gnomAD v4.1: 1 of 1,614,032 alleles (0.000062%); highest among the groups gnomAD compares: African/African-American, 0.0013%; no homozygotes.

Submission:

PreventionGenetics, part of Exact Sciences
Classification: Uncertain significance for BBS2-related condition. Last evaluated: 2024-06-10. Review status: no assertion criteria provided. Collection method: clinical testing. Allele origin: germline.
Comment: The BBS2 c.850A>C variant is predicted to result in the amino acid substitution p.Asn284His. To our knowledge, this variant has not been reported in the literature or in a large population database, indicating this variant is rare. At this time, the clinical significance of this variant is uncertain due to the absence of conclusive functional and genetic evidence.